The following is an entry in ClinVar:

NM_024753.5(TTC21B):c.234A>G (p.Ile78Met)

Gene: TTC21B (tetratricopeptide repeat domain 21B; minus strand). Cytogenetic location: 2q24.3.
Variant type: single nucleotide variant.
Coding change: c.234A>G on transcript NM_024753.5 (MANE Select); coding-DNA position 234, A replaced by G.
Protein change: p.Ile78Met; replaces isoleucine 78 with methionine.
Molecular consequence: missense variant.
Genome position (GRCh38, 1-based): chr2:165,949,422, T>C on the plus strand (A>G on the coding strand, the complement: TTC21B is on the minus strand). VCF-style: chr2-165949422-T-C. GRCh37 (hg19) VCF-style: chr2-166805932-T-C.
Other names: short protein forms I78M.
Identifiers: ClinVar variation 937309 (VCV000937309.9), dbSNP rs139885689, ClinGen allele CA1942515.
Genomic context (GRCh38, chr2:165,949,422, plus strand): 5'-AATGTCCTAAGCATTGCATTTAAATATCATACCTGGATTAGGACTCATTTTATGGGCATA[T>C]ATCAGTGCAAGTAGAGAACAAAGTGATACATCTTGTTTATTTTTAATAGCCTCAAATTCT-3'
Protein context (NP_079029.3, residues 68-88): DVSLCSLLAL[Ile78Met]YAHKMSPNPD

ClinVar aggregate classification (germline): Uncertain significance. Review status: criteria provided, multiple submitters, no conflicts (2 of 4 stars). 4 submissions from 4 submitters: Uncertain significance (4). Last evaluated 2026-09-03.

Conditions:
Jeune thoracic dystrophy. Also called: Jeune syndrome; Infantile thoracic dystrophy; Thoracic pelvic phalangeal dystrophy; Jeune's syndrome; Chondroectodermal dysplasia-like syndrome; Short-rib thoracic dysplasia. Identifiers: Orphanet 474, MedGen C0265275, MONDO:0018770.
Nephronophthisis. Also called: Juvenile Nephronophthisis. Identifiers: Orphanet 655, MedGen C0687120, MONDO:0019005, HP:0000090.
Asphyxiating thoracic dystrophy 4 (SRTD4). Also called: SHORT-RIB THORACIC DYSPLASIA 4 WITH OR WITHOUT POLYDACTYLY; SHORT-RIB THORACIC DYSPLASIA 4. Identifiers: Orphanet 474, MedGen C3151185, MONDO:0013441, OMIM 613819.
Nephronophthisis 12 (NPHP12). Identifiers: Orphanet 655, MedGen C3151186, MONDO:0013442, OMIM 613820.
TTC21B-related disorder. Also called: TTC21B-related disorders; TTC21B-related condition.

Allele frequency attached by ClinVar (database versions not stated): gnomAD exomes 0.00011 and 0.00013; ESP Exome Variant Server 0.00023; gnomAD 0.00008 and 0.00007; ExAC 0.00007; TOPMed 0.00008.
gnomAD v4.1: 204 of 1,613,224 alleles (0.013%); highest among the groups gnomAD compares: Non-Finnish European, 0.016%; no homozygotes.

Submissions (4):

PreventionGenetics, part of Exact Sciences
Classification: Uncertain significance for TTC21B-related condition. Last evaluated: 2026-09-03. Review status: criteria provided, single submitter. Criteria: ACMG Guidelines, 2015. Collection method: clinical testing. Allele origin: germline.
Comment: The TTC21B c.234A>G variant is predicted to result in the amino acid substitution p.Ile78Met. To our knowledge, this variant has not been reported in the literature in individuals affected with TTC21B-related disorders. This variant is reported in 0.017% of alleles in individuals of Latino descent in gnomAD. At this time, the clinical significance of this variant is uncertain due to the absence of conclusive functional and genetic evidence.

GeneDx
Classification: Uncertain significance. Last evaluated: 2025-04-16. Review status: criteria provided, single submitter. Criteria: GeneDx Variant Classification Process June 2021. Collection method: clinical testing. Allele origin: germline. Affected: yes.
Comment: Reported in the heterozygous state in patient with vision loss in published literature (PMID: 32483926); In silico analysis indicates that this missense variant does not alter protein structure/function; This variant is associated with the following publications: (PMID: 32483926, 31810438)

Labcorp Genetics (formerly Invitae), Labcorp
Classification: Uncertain significance for Jeune thoracic dystrophy; Nephronophthisis. Last evaluated: 2022-10-05. Review status: criteria provided, single submitter. Criteria: Invitae Variant Classification Sherloc (09022015). Collection method: clinical testing. Allele origin: germline.
Comment: This sequence change replaces isoleucine, which is neutral and non-polar, with methionine, which is neutral and non-polar, at codon 78 of the TTC21B protein (p.Ile78Met). This variant is present in population databases (rs139885689, gnomAD 0.02%). This variant has not been reported in the literature in individuals affected with TTC21B-related conditions. ClinVar contains an entry for this variant (Variation ID: 937309). Advanced modeling of protein sequence and biophysical properties (such as structural, functional, and spatial information, amino acid conservation, physicochemical variation, residue mobility, and thermodynamic stability) performed at Invitae indicates that this missense variant is not expected to disrupt TTC21B protein function. Algorithms developed to predict the effect of sequence changes on RNA splicing suggest that this variant may create or strengthen a splice site. In summary, the available evidence is currently insufficient to determine the role of this variant in disease. Therefore, it has been classified as a Variant of Uncertain Significance.

Fulgent Genetics
Classification: Uncertain significance for Asphyxiating thoracic dystrophy 4; Nephronophthisis 12. Last evaluated: 2021-10-25. Review status: criteria provided, single submitter. Criteria: ACMG Guidelines, 2015. Collection method: clinical testing. Allele origin: unknown.